The following is an entry in ClinVar:

ClinVar aggregate classification (germline): Pathogenic (1 of 4 stars; one submission).

Conditions:
Duchenne muscular dystrophy (DMD). Also called: Duchenne Muscular Dystrophy (DMD); MUSCULAR DYSTROPHY, PSEUDOHYPERTROPHIC PROGRESSIVE, DUCHENNE TYPE. Identifiers: Orphanet 98896, MedGen C0013264, MONDO:0010679, OMIM 310200.

Submission:

Labcorp Genetics (formerly Invitae), Labcorp
Classification: Pathogenic for Duchenne muscular dystrophy. Last evaluated: 2020-11-11. Review status: criteria provided, single submitter. Criteria: Invitae Variant Classification Sherloc (09022015). Collection method: clinical testing. Allele origin: germline.
Comment: For these reasons, this variant has been classified as Pathogenic. This variant has not been reported in the literature in individuals with DMD-related conditions. This variant is not present in population databases (ExAC no frequency). This sequence change creates a premature translational stop signal (p.Asn2543Lysfs*32) in the DMD gene. It is expected to result in an absent or disrupted protein product. Loss-of-function variants in DMD are known to be pathogenic (PMID: 16770791, 25007885).

Literature cited by the submitters: PubMed 16770791; PubMed 25007885.

NM_004006.3(DMD):c.7629_7632del (p.Asn2543fs)

Gene: DMD (dystrophin; minus strand). Cytogenetic location: Xp21.1.
Variant type: Deletion.
Coding change: c.7629_7632del on transcript NM_004006.3 (MANE Select); coding-DNA positions 7629 to 7632, 4 bases deleted (TCAA; older notation c.7629_7632delTCAA).
Protein change: p.Asn2543fs; shifts the reading frame from asparagine 2543.
Molecular consequence: frameshift variant.
Genome position (GRCh38, 1-based): chrX:31,729,659-31,729,662, TTGA deleted on the plus strand (TCAA on the coding strand, the reverse complement: DMD is on the minus strand); deleting any 4 consecutive bases within chrX:31,729,659-31,729,665 gives the same sequence; the c. name uses the placement nearest the transcript's 3' end. VCF-style (leftmost placement, unchanged base first): chrX-31729658-CTTGA-C. GRCh37 (hg19) VCF-style: chrX-31747775-CTTGA-C.
Other names: c.7605_7608del, p.Asn2535fs (NM_000109.4); c.7617_7620del, p.Asn2539fs (NM_004009.3); c.7260_7263del, p.Asn2420fs (NM_004010.3); c.3606_3609del, p.Asn1202fs (NM_004011.4); c.3597_3600del, p.Asn1199fs (NM_004012.4); c.249_252del, p.Asn83fs (NM_004013.3, NM_004020.4, NM_004021.3 and 2 more transcripts); short protein forms N1202fs, N2420fs, N83fs, N2539fs, N2543fs, N1199fs, N2535fs.
Identifiers: ClinVar variation 1458390 (VCV001458390.6), dbSNP rs2149018065, ClinGen allele CA2573158635.